The following is an entry in ClinVar:

ClinVar aggregate classification (germline): Benign/Likely benign. Review status: criteria provided, multiple submitters, no conflicts (2 of 4 stars). 7 submissions from 7 submitters: Benign (1); Likely benign (5). 1 of the submissions does not count toward it. Last evaluated 2026-04-21.

Conditions:
DICER1-related disorder. Also called: DICER1-related condition.
Hereditary cancer-predisposing syndrome. Also called: Hereditary Cancer Syndrome; Neoplastic Syndromes, Hereditary; Hereditary neoplastic syndrome; Tumor predisposition. Identifiers: Orphanet 140162, MedGen C0027672, MeSH D009386, MONDO:0015356.
DICER1-related tumor predisposition. Also called: DICER1-related pleuropulmonary blastoma cancer predisposition syndrome; DICER1 syndrome. Identifiers: Orphanet 284343, MedGen C3839822, MONDO:0100216.

Allele frequency attached by ClinVar (database versions not stated): ExAC 0.00003; gnomAD exomes 0.00002 and 0.00001; TOPMed 0.00003.
gnomAD v4.1: 18 of 1,613,974 alleles (0.0011%); highest among the groups gnomAD compares: Admixed American, 0.005%; no homozygotes.

Submissions (7):

Myriad Genetics, Inc.
Classification: Benign for DICER1-related tumor predisposition. Last evaluated: 2026-04-21. Review status: criteria provided, single submitter. Criteria: Myriad Autosomal Dominant, Autosomal Recessive and X-Linked Classification Criteria (2023). Collection method: clinical testing. Allele origin: unknown.
Comment: This variant is considered benign. This variant is a silent/synonymous amino acid change and it is not expected to impact splicing.

Labcorp Genetics (formerly Invitae), Labcorp
Classification: Likely benign for DICER1-related tumor predisposition. Last evaluated: 2026-01-29. Review status: criteria provided, single submitter. Criteria: Invitae Variant Classification Sherloc (09022015). Collection method: clinical testing. Allele origin: germline.

Center for Genomic Medicine, Rigshospitalet, Copenhagen University Hospital
Classification: Likely benign. Last evaluated: 2025-03-04. Review status: criteria provided, single submitter. Criteria: ACMG Guidelines, 2015. Collection method: clinical testing. Allele origin: germline.

Sema4
Classification: Likely benign for Hereditary cancer-predisposing syndrome. Last evaluated: 2021-05-17. Review status: criteria provided, single submitter. Criteria: Sema4 Curation Guidelines. Collection method: curation. Allele origin: germline.

Ambry Genetics
Classification: Likely benign for Hereditary cancer-predisposing syndrome. Last evaluated: 2017-07-03. Review status: criteria provided, single submitter. Criteria: Ambry Variant Classification Scheme 2023. Collection method: clinical testing. Allele origin: germline.

Breakthrough Genomics
Classification: Likely benign. Review status: criteria provided, single submitter. Criteria: ACMG Guidelines, 2015. Collection method: not provided. Allele origin: germline. Inheritance: Autosomal dominant inheritance. Affected: yes.

PreventionGenetics, part of Exact Sciences
Classification: Likely benign for DICER1-related condition. Last evaluated: 2019-04-05. Review status: no assertion criteria provided. Collection method: clinical testing. Allele origin: germline. Not counted in ClinVar's aggregate classification.
Comment: This variant is classified as likely benign based on ACMG/AMP sequence variant interpretation guidelines (Richards et al. 2015 PMID: 25741868, with internal and published modifications).

NM_177438.3(DICER1):c.5625C>T (p.Asp1875=)

Gene: DICER1 (dicer 1, ribonuclease III; minus strand). Cytogenetic location: 14q32.13.
Variant type: single nucleotide variant.
Coding change: c.5625C>T on transcript NM_177438.3 (MANE Select); coding-DNA position 5625, C replaced by T.
Protein change: p.Asp1875=; no amino-acid change (aspartic acid 1875 retained).
Molecular consequence: synonymous variant. On other transcripts: missense variant (1).
Genome position (GRCh38, 1-based): chr14:95,090,642, G>A on the plus strand (C>T on the coding strand, the complement: DICER1 is on the minus strand). VCF-style: chr14-95090642-G-A. GRCh37 (hg19) VCF-style: chr14-95556979-G-A.
Other names: c.5462C>T, p.Thr1821Met (NM_001195573.1); c.5625C>T, p.Asp1875= (NM_001271282.3, NM_001291628.2, NM_030621.4); short protein forms T1821M.
Identifiers: ClinVar variation 417064 (VCV000417064.29), dbSNP rs781156066, ClinGen allele CA7330609.